The following is an entry in ClinVar:

NM_006922.4(SCN3A):c.277A>G (p.Met93Val)

Gene: SCN3A (sodium voltage-gated channel alpha subunit 3; minus strand). Cytogenetic location: 2q24.3.
Variant type: single nucleotide variant.
Coding change: c.277A>G on transcript NM_006922.4 (MANE Select); coding-DNA position 277, A replaced by G.
Protein change: p.Met93Val; replaces methionine 93 with valine.
Molecular consequence: missense variant.
Genome position (GRCh38, 1-based): chr2:165,170,536, T>C on the plus strand (A>G on the coding strand, the complement: SCN3A is on the minus strand). VCF-style: chr2-165170536-T-C. GRCh37 (hg19) VCF-style: chr2-166027046-T-C.
Other names: c.277A>G, p.Met93Val (NM_001081676.2, NM_001081677.2); short protein forms M93V.
Identifiers: ClinVar variation 2271469 (VCV002271469.3), dbSNP rs1690037146, ClinGen allele CA349240651.

ClinVar aggregate classification (germline): Uncertain significance. Review status: criteria provided, multiple submitters, no conflicts (2 of 4 stars). 2 submissions from 2 submitters: Uncertain significance (2). Last evaluated 2025-04-10.

Conditions:
Inborn genetic diseases. Identifiers: MedGen C0950123, MeSH D030342.

Allele frequency attached by ClinVar (database versions not stated): gnomAD exomes below 0.00001.
gnomAD v4.1: 2 of 1,599,868 alleles (0.00013%); highest among the groups gnomAD compares: African/African-American, 0.0013%; no homozygotes.

Submissions (2):

Labcorp Genetics (formerly Invitae), Labcorp
Classification: Uncertain significance. Last evaluated: 2025-04-10. Review status: criteria provided, single submitter. Criteria: Invitae Variant Classification Sherloc (09022015). Collection method: clinical testing. Allele origin: germline.
Comment: This sequence change replaces methionine, which is neutral and non-polar, with valine, which is neutral and non-polar, at codon 93 of the SCN3A protein (p.Met93Val). This variant is not present in population databases (gnomAD no frequency). This variant has not been reported in the literature in individuals affected with SCN3A-related conditions. ClinVar contains an entry for this variant (Variation ID: 2271469). Invitae Evidence Modeling of protein sequence and biophysical properties (such as structural, functional, and spatial information, amino acid conservation, physicochemical variation, residue mobility, and thermodynamic stability) indicates that this missense variant is not expected to disrupt SCN3A protein function with a negative predictive value of 80%. In summary, the available evidence is currently insufficient to determine the role of this variant in disease. Therefore, it has been classified as a Variant of Uncertain Significance.

Ambry Genetics
Classification: Uncertain significance for Inborn genetic diseases. Last evaluated: 2022-01-10. Review status: criteria provided, single submitter. Criteria: Ambry Variant Classification Scheme 2023. Collection method: clinical testing. Allele origin: germline.